The following is an entry in ClinVar:

NM_025137.4(SPG11):c.6738T>G (p.Ile2246Met)

Gene: SPG11 (SPG11 vesicle trafficking associated, spatacsin; minus strand). Cytogenetic location: 15q21.1.
Variant type: single nucleotide variant.
Coding change: c.6738T>G on transcript NM_025137.4 (MANE Select); coding-DNA position 6738, T replaced by G.
Protein change: p.Ile2246Met; replaces isoleucine 2246 with methionine.
Molecular consequence: missense variant.
Genome position (GRCh38, 1-based): chr15:44,567,440, A>C on the plus strand (T>G on the coding strand, the complement: SPG11 is on the minus strand). VCF-style: chr15-44567440-A-C. GRCh37 (hg19) VCF-style: chr15-44859638-A-C.
Other names: c.6399T>G, p.Ile2133Met (NM_001160227.2); short protein forms I2133M, I2246M.
Identifiers: ClinVar variation 1058581 (VCV001058581.7), dbSNP rs776998679, ClinGen allele CA7534031.

ClinVar aggregate classification (germline): Uncertain significance. Review status: criteria provided, multiple submitters, no conflicts (2 of 4 stars). 2 submissions from 2 submitters: Uncertain significance (2). Last evaluated 2021-08-25.

Conditions:
Charcot-Marie-Tooth disease axonal type 2X. Also called: CHARCOT-MARIE-TOOTH DISEASE, AXONAL, AUTOSOMAL RECESSIVE, TYPE 2X; CHARCOT-MARIE-TOOTH NEUROPATHY, TYPE 2X. Identifiers: Orphanet 466775, MedGen C5569024, MONDO:0014726, OMIM 616668.
Hereditary spastic paraplegia 11. Also called: Nakamura Osame syndrome; Autosomal recessive hereditary spastic paraplegia, mental impairment, and thin corpus callosum; Spastic paraplegia, mental retardation and thin corpus callosum; SPASTIC PARAPLEGIA, AUTOSOMAL RECESSIVE, COMPLICATED, WITH THIN CORPUS CALLOSUM; SPASTIC PARAPLEGIA, AUTOSOMAL RECESSIVE, WITH MENTAL IMPAIRMENT AND THIN CORPUS CALLOSUM; Spastic Paraplegia 11. Identifiers: Orphanet 2822, MedGen C1858479, MONDO:0011445, OMIM 604360.

Allele frequency attached by ClinVar (database versions not stated): gnomAD exomes 0.00001 and 0.00002; ExAC 0.00002.
gnomAD v4.1: 9 of 1,613,660 alleles (0.00056%); highest among the groups gnomAD compares: South Asian, 0.0088%; no homozygotes.

Submissions (2):

Labcorp Genetics (formerly Invitae), Labcorp
Classification: Uncertain significance for Hereditary spastic paraplegia 11. Last evaluated: 2021-08-25. Review status: criteria provided, single submitter. Criteria: Invitae Variant Classification Sherloc (09022015). Collection method: clinical testing. Allele origin: germline.
Comment: This sequence change replaces isoleucine with methionine at codon 2246 of the SPG11 protein (p.Ile2246Met). The isoleucine residue is moderately conserved and there is a small physicochemical difference between isoleucine and methionine. The frequency data for this variant in the population databases is considered unreliable, as metrics indicate poor data quality at this position in the ExAC database. This variant has not been reported in the literature in individuals affected with SPG11-related conditions. Algorithms developed to predict the effect of missense changes on protein structure and function are either unavailable or do not agree on the potential impact of this missense change (SIFT: "Tolerated"; PolyPhen-2: "Possibly Damaging"; Align-GVGD: "Class C0"). In summary, the available evidence is currently insufficient to determine the role of this variant in disease. Therefore, it has been classified as a Variant of Uncertain Significance.

Neuberg Centre For Genomic Medicine, NCGM
Classification: Uncertain significance for Charcot-Marie-Tooth disease axonal type 2X. Review status: criteria provided, single submitter. Criteria: ACMG Guidelines, 2015. Collection method: clinical testing. Allele origin: germline. Inheritance: Autosomal recessive inheritance. Affected: yes.
Comment: The missense c.6738T>G (p.Ile2246Met) variant in the SPG11 gene has not been reported previously as a pathogenic variant nor as a benign variant, to our knowledge. This variant is reported with the allele frequency (0.001%) in the gnomAD Exomes. This variant has been reported to the ClinVar database as Uncertain Significance. However, no details are available for independent assessment. The amino acid Isoleucine at position 2246 is changed to a Methionine changing protein sequence and it might alter its composition and physico-chemical properties. The variant is predicted as damaging by SIFT. For these reasons, this variant has been classified as Uncertain Significance.